The following is an entry in ClinVar:

ClinVar aggregate classification (germline): Likely pathogenic (1 of 4 stars; one submission).

Conditions:
ZTTK syndrome (ZTTKS). Also called: ZTTK MULTIPLE CONGENITAL ANOMALIES-MENTAL RETARDATION SYNDROME; Zhu-Tokita-Takenouchi-Kim Syndrome. Identifiers: Orphanet 500150, MedGen C4310696, MONDO:0014936, OMIM 617140.

Submission:

Lifecell International Pvt. Ltd
Classification: Likely pathogenic for ZTTK syndrome. Review status: criteria provided, single submitter. Criteria: ACMG Guidelines, 2015. Collection method: clinical testing. Allele origin: germline. Inheritance: Autosomal dominant inheritance. Affected: yes. Observed: 1 heterozygote.
Comment: A Heterozygous Nonsense variant c.6754A>T in Exon 7 of the SON gene that results in the amino acid substitution p.Lys2252* was identified. The observed variant is novel in gnomAD exomes and genomes, respectively. The severity of the impact of this variant on the protein is high, based on the effect of the protein and REVEL score . Rare Exome Variant Ensemble Learner (REVEL) is an ensembl method for predicting the pathogenicity of missense variants based on a combination of scores from 13 individual tools: MutPred, FATHMM v2.3, VEST 3.0, PolyPhen-2, SIFT, PROVEAN, MutationAssessor, MutationTaster, LRT, GERP++, SiPhy, phyloP, and phastCons. The REVEL score for an individual missense variant can range from 0 to 1, with higher scores reflecting greater likelihood that the variant is disease-causing. For these reasons this variant has been classified as Likely Pathogenic.

NM_138927.4(SON):c.6657+198A>T

Gene: SON (SON DNA and RNA binding protein; plus strand). Cytogenetic location: 21q22.11.
Variant type: single nucleotide variant.
Coding change: c.6657+198A>T on transcript NM_138927.4 (MANE Select); 198 bases into the intron after coding-DNA position 6657, A replaced by T.
Molecular consequence: intron variant. On other transcripts: nonsense (1).
Genome position (GRCh38, 1-based): chr21:33,559,973, A>T. VCF-style: chr21-33559973-A-T. GRCh37 (hg19) VCF-style: chr21-34932279-A-T.
Other names: c.6754A>T, p.Lys2252Ter (NM_032195.3); c.741+198A>T (NM_001291412.3); short protein forms K2252*.
Identifiers: ClinVar variation 2498384 (VCV002498384.2), dbSNP rs2517412611, ClinGen allele CA410119843.
Genomic context (GRCh38, chr21:33,559,973, plus strand): 5'-ATGAAACAACCCGCAGCTTCTCATTTGACAGTAACTCGATGCAATTCACTTTGTGGAACC[A>T]AGCCACAAAGTGAAAAGCATCGAATTGCAGAGAACAGTGTTATCACATCCCTACCCAACA-3'